The following is an entry in ClinVar:

ClinVar aggregate classification (germline): Uncertain significance (1 of 4 stars; one submission).

Conditions:
MKKS-related disorder. Also called: MKKS-related condition; MKKS-related disorders.

Allele frequency attached by ClinVar (database versions not stated): ExAC 0.00001; gnomAD 0.00001; TOPMed 0.00001; 1000 Genomes Project 30x 0.00016; 1000 Genomes Project 0.00020.
gnomAD v4.1: 4 of 1,614,044 alleles (0.00025%); highest among the groups gnomAD compares: African/African-American, 0.004%; no homozygotes.

Submission:

PreventionGenetics, part of Exact Sciences
Classification: Uncertain significance for MKKS-related condition. Last evaluated: 2023-08-23. Review status: criteria provided, single submitter. Criteria: ACMG Guidelines, 2015. Collection method: clinical testing. Allele origin: germline.
Comment: The MKKS c.461T>G variant is predicted to result in the amino acid substitution p.Val154Gly. To our knowledge, this variant has not been reported in the literature. This variant is reported in 0.0062% of alleles in individuals of African descent in gnomAD. At this time, the clinical significance of this variant is uncertain due to the absence of conclusive functional and genetic evidence.

NM_170784.3(MKKS):c.461T>G (p.Val154Gly)

Gene: MKKS (MKKS centrosomal shuttling protein; minus strand). Cytogenetic location: 20p12.2.
Variant type: single nucleotide variant.
Coding change: c.461T>G on transcript NM_170784.3 (MANE Select); coding-DNA position 461, T replaced by G.
Protein change: p.Val154Gly; replaces valine 154 with glycine.
Molecular consequence: missense variant.
Genome position (GRCh38, 1-based): chr20:10,413,054, A>C on the plus strand (T>G on the coding strand, the complement: MKKS is on the minus strand). VCF-style: chr20-10413054-A-C. GRCh37 (hg19) VCF-style: chr20-10393702-A-C.
Other names: c.461T>G, p.Val154Gly (NM_018848.3); short protein forms V154G.
Identifiers: ClinVar variation 2634195 (VCV002634195.1), dbSNP rs570622601, ClinGen allele CA9763678.